The following is an entry in ClinVar:

ClinVar aggregate classification (germline): Likely benign. Review status: criteria provided, multiple submitters, no conflicts (2 of 4 stars). 3 submissions from 3 submitters: Likely benign (3). Last evaluated 2025-12-17.

Conditions:
Cardiovascular phenotype. Identifiers: MedGen CN230736.
Long QT syndrome (LQTS). Identifiers: MedGen C0023976, MeSH D008133, MONDO:0002442. Disease mechanism: loss of function. Inheritance: Various modes of inheritance.

Allele frequency attached by ClinVar (database versions not stated): gnomAD exomes below 0.00001 and 0.00001; ExAC 0.00001.

Submissions (3):

Labcorp Genetics (formerly Invitae), Labcorp
Classification: Likely benign for Long QT syndrome. Last evaluated: 2025-12-17. Review status: criteria provided, single submitter. Criteria: Invitae Variant Classification Sherloc (09022015). Collection method: clinical testing. Allele origin: germline.

Ambry Genetics
Classification: Likely benign for Cardiovascular phenotype. Last evaluated: 2025-02-20. Review status: criteria provided, single submitter. Criteria: Ambry Variant Classification Scheme 2023. Collection method: clinical testing. Allele origin: germline.

GeneDx
Classification: Likely benign. Last evaluated: 2016-10-17. Review status: criteria provided, single submitter. Criteria: GeneDx Variant Classification (06012015). Collection method: clinical testing. Allele origin: germline. Affected: yes.
Comment: This variant is considered likely benign or benign based on one or more of the following criteria: it is a conservative change, it occurs at a poorly conserved position in the protein, it is predicted to be benign by multiple in silico algorithms, and/or has population frequency not consistent with disease.

NM_001148.6(ANK2):c.1153T>C (p.Leu385=)

Gene: ANK2 (ankyrin 2; plus strand). Cytogenetic location: 4q26.
Variant type: single nucleotide variant.
Coding change: c.1153T>C on transcript NM_001148.6 (MANE Select); coding-DNA position 1153, T replaced by C.
Protein change: p.Leu385=; no amino-acid change (leucine 385 retained).
Molecular consequence: synonymous variant.
Genome position (GRCh38, 1-based): chr4:113,255,897, T>C. VCF-style: chr4-113255897-T-C. GRCh37 (hg19) VCF-style: chr4-114177053-T-C.
Other names: c.1090T>C, p.Leu364= (NM_001127493.3, NM_001354239.2, NM_001354243.2 and 14 more transcripts); c.1153T>C, p.Leu385= (NM_001354225.2, NM_001354228.2, NM_001354232.2 and 9 more transcripts); c.1198T>C, p.Leu400= (NM_001354230.2, NM_001354231.2, NM_001354237.2 and 5 more transcripts); c.1066T>C, p.Leu356= (NM_001354249.2, NM_001354260.2, NM_001354264.2 and 16 more transcripts); c.1111T>C, p.Leu371= (NM_001354261.2, NM_001386147.1, NM_001386160.1); c.1141T>C, p.Leu381= (NM_001354269.3, NM_001386148.2, NM_001386186.2); c.1204T>C, p.Leu402= (NM_001386174.1); c.1180T>C, p.Leu394= (NM_001386175.1); and 1 more.
Identifiers: ClinVar variation 389584 (VCV000389584.3), dbSNP rs762092630, ClinGen allele CA3050190.